The following is an entry in ClinVar:

NM_001374736.1(DST):c.12888A>G (p.Gln4296=)

Gene: DST (dystonin; minus strand). Cytogenetic location: 6p12.1.
Variant type: single nucleotide variant.
Coding change: c.12888A>G on transcript NM_001374736.1 (MANE Select); coding-DNA position 12888, A replaced by G.
Protein change: p.Gln4296=; no amino-acid change (glutamine 4296 retained).
Molecular consequence: synonymous variant.
Genome position (GRCh38, 1-based): chr6:56,592,197, T>C on the plus strand (A>G on the coding strand, the complement: DST is on the minus strand). VCF-style: chr6-56592197-T-C. GRCh37 (hg19) VCF-style: chr6-56456995-T-C.
Other names: c.6531A>G, p.Gln2177= (NM_001144769.5); c.6117A>G, p.Gln2039= (NM_001144770.2); c.12888A>G, p.Gln4296= (NM_001374722.1); c.12255A>G, p.Gln4085= (NM_001374729.1); c.5997A>G, p.Gln1999= (NM_001374730.1, NM_001386100.1, NM_183380.4); c.12915A>G, p.Gln4305= (NM_001374734.1); c.5019A>G, p.Gln1673= (NM_015548.5).
Identifiers: ClinVar variation 796220 (VCV000796220.15), dbSNP rs201201114, ClinGen allele CA3868368.

ClinVar aggregate classification (germline): Likely benign. Review status: criteria provided, multiple submitters, no conflicts (2 of 4 stars). 4 submissions from 4 submitters: Likely benign (4). Last evaluated 2026-01-17.

Conditions:
DST-related disorder. Also called: DST-related condition; DST-related disorders.
Hereditary sensory and autonomic neuropathy type 6. Also called: HSAN VI; Neuropathy, hereditary sensory and autonomic, type VI. Identifiers: Orphanet 314381, MedGen C3539003, MONDO:0013839, OMIM 614653.
Epidermolysis bullosa simplex 3, localized or generalized intermediate, with BP230 deficiency (EBS3). Also called: Epidermolysis bullosa simplex, autosomal recessive 2; Epidermolysis bullosa simplex due to BP230 deficiency. Identifiers: Orphanet 412181, MedGen C3809470, MONDO:0014180, OMIM 615425.

Allele frequency attached by ClinVar (database versions not stated): ESP Exome Variant Server 0.00017; 1000 Genomes Project 0.00040; TOPMed 0.00013; 1000 Genomes Project 30x 0.00062.
gnomAD v4.1: 239 of 1,613,512 alleles (0.015%); highest among the groups gnomAD compares: Middle Eastern, 0.033%; 1 homozygote.

Submissions (4):

Labcorp Genetics (formerly Invitae), Labcorp
Classification: Likely benign for Epidermolysis bullosa simplex 3, localized or generalized intermediate, with BP230 deficiency; Hereditary sensory and autonomic neuropathy type 6. Last evaluated: 2026-01-17. Review status: criteria provided, single submitter. Criteria: Invitae Variant Classification Sherloc (09022015). Collection method: clinical testing. Allele origin: germline.

PreventionGenetics, part of Exact Sciences
Classification: Likely benign for DST-related condition. Last evaluated: 2025-08-12. Review status: criteria provided, single submitter. Criteria: ACMG Guidelines, 2015. Collection method: clinical testing. Allele origin: germline.
Comment: This variant is classified as likely benign based on ACMG/AMP sequence variant interpretation guidelines (Richards et al. 2015 PMID: 25741868, with internal and published modifications).

Blueprint Genetics
Classification: Likely benign. Last evaluated: 2024-11-13. Review status: criteria provided, single submitter. Criteria: ACMG Guidelines, 2015. Collection method: clinical testing. Allele origin: germline.

Breakthrough Genomics
Classification: Likely benign. Review status: criteria provided, single submitter. Criteria: ACMG Guidelines, 2015. Collection method: not provided. Allele origin: germline. Inheritance: Autosomal recessive inheritance. Affected: yes.